The following is an entry in ClinVar:

NM_001164508.2(NEB):c.4564T>C (p.Leu1522=)

Gene: NEB (nebulin; minus strand). Cytogenetic location: 2q23.3.
Variant type: single nucleotide variant.
Coding change: c.4564T>C on transcript NM_001164508.2 (MANE Select); coding-DNA position 4564, T replaced by C.
Protein change: p.Leu1522=; no amino-acid change (leucine 1522 retained).
Molecular consequence: synonymous variant.
Genome position (GRCh38, 1-based): chr2:151,669,074, A>G on the plus strand (T>C on the coding strand, the complement: NEB is on the minus strand). VCF-style: chr2-151669074-A-G. GRCh37 (hg19) VCF-style: chr2-152525588-A-G.
Other names: c.4564T>C, p.Leu1522= (NM_001164507.2, NM_001271208.2, NM_004543.5).
Identifiers: ClinVar variation 2651434 (VCV002651434.24), dbSNP rs1173144824, ClinGen allele CA429242334.

ClinVar aggregate classification (germline): Likely benign (1 of 4 stars; one submission).

Submission:

CeGaT Center for Human Genetics Tuebingen
Classification: Likely benign. Last evaluated: 2023-09-01. Review status: criteria provided, single submitter. Criteria: CeGaT Center For Human Genetics Tuebingen Variant Classification Criteria Version 2. Collection method: clinical testing. Allele origin: germline. Affected: yes. Observed: 1 variant allele.
Comment: NEB: PM2:Supporting, BP4, BP7